The following is an entry in ClinVar:

NM_020699.4(GATAD2B):c.526_527insC (p.Glu176fs)

Gene: GATAD2B (GATA zinc finger domain containing 2B; minus strand). Cytogenetic location: 1q21.3.
Variant type: Insertion.
Coding change: c.526_527insC on transcript NM_020699.4 (MANE Select); coding-DNA positions 526 to 527, C inserted.
Protein change: p.Glu176fs; shifts the reading frame from glutamic acid 176.
Molecular consequence: frameshift variant.
Genome position: GRCh38 VCF-style: chr1-153818861-T-TG. GRCh37 (hg19) VCF-style: chr1-153791337-T-TG.
Other names: short protein forms E176fs.
Identifiers: ClinVar variation 4292391 (VCV004292391.1).

ClinVar aggregate classification (germline): Likely pathogenic (1 of 4 stars; one submission).

Conditions:
Severe intellectual disability-poor language-strabismus-grimacing face-long fingers syndrome (GAND). Also called: GAND SYNDROME. Identifiers: Orphanet 363686, MedGen C3554448, MONDO:0014034, OMIM 615074.

Submission:

3billion
Classification: Likely pathogenic for Severe intellectual disability-poor language-strabismus-grimacing face-long fingers syndrome. Last evaluated: 2024-11-17. Review status: criteria provided, single submitter. Criteria: ACMG Guidelines, 2015. Collection method: clinical testing. Allele origin: germline. Affected: yes.
Comment: The variant is not observed in the gnomAD v4.1.0 dataset. Predicted Consequence/Location: Frameshift: predicted to result in a loss or disruption of normal protein function through nonsense-mediated decay (NMD) or protein truncation. Multiple pathogenic variants are reported downstream of the variant. Therefore, this variant is classified as Likely pathogenic according to the recommendation of ACMG/AMP guideline.